The following is an entry in ClinVar:

ClinVar aggregate classification (germline): Benign/Likely benign. Review status: criteria provided, multiple submitters, no conflicts (2 of 4 stars). 4 submissions from 4 submitters: Benign (1); Likely benign (3). Last evaluated 2026-01-28.

Conditions:
Histiocytic medullary reticulosis. Also called: SEVERE COMBINED IMMUNODEFICIENCY WITH HYPEREOSINOPHILIA; Omenn syndrome. Identifiers: Orphanet 39041, MedGen C2700553, MONDO:0011338, OMIM 603554.
Severe combined immunodeficiency due to DCLRE1C deficiency (RS-SCID). Also called: SCID, AUTOSOMAL RECESSIVE, T CELL-NEGATIVE, B CELL-NEGATIVE, NK CELL-POSITIVE, WITH SENSITIVITY TO IONIZING RADIATION. Identifiers: Orphanet 275, MedGen C1865371, MONDO:0011225, OMIM 602450.

Allele frequency attached by ClinVar (database versions not stated): ExAC 0.00077; TOPMed 0.00003; gnomAD exomes 0.00067 and 0.00030; 1000 Genomes Project 30x 0.00109; gnomAD 0.00001 and 0.00020; 1000 Genomes Project 0.00100.
gnomAD v4.1: 474 of 1,613,474 alleles (0.029%); highest among the groups gnomAD compares: South Asian, 0.49%; 5 homozygotes.

Submissions (4):

Labcorp Genetics (formerly Invitae), Labcorp
Classification: Benign for Athabaskan severe combined immunodeficiency. Last evaluated: 2026-01-28. Review status: criteria provided, single submitter. Criteria: Invitae Variant Classification Sherloc (09022015). Collection method: clinical testing. Allele origin: germline.

Blueprint Genetics
Classification: Likely benign. Last evaluated: 2024-07-29. Review status: criteria provided, single submitter. Criteria: ACMG Guidelines, 2015. Collection method: clinical testing. Allele origin: germline.

ARUP Laboratories, Molecular Genetics and Genomics, ARUP Laboratories
Classification: Likely benign. Last evaluated: 2019-09-27. Review status: criteria provided, single submitter. Criteria: ARUP Molecular Germline Variant Investigation Process. Collection method: clinical testing. Allele origin: germline.

Illumina Laboratory Services, Illumina
Classification: Likely benign for Histiocytic medullary reticulosis. Last evaluated: 2018-03-06. Review status: criteria provided, single submitter. Criteria: ICSL Variant Classification Criteria 13 December 2019. Collection method: clinical testing. Allele origin: germline.
Comment: This variant was observed in the ICSL laboratory as part of a predisposition screen in an ostensibly healthy population. It had not been previously curated by ICSL or reported in the Human Gene Mutation Database (HGMD: prior to June 1st, 2018), and was therefore a candidate for classification through an automated scoring system. Utilizing variant allele frequency, disease prevalence and penetrance estimates, and inheritance mode, an automated score was calculated to assess if this variant is too frequent to cause the disease. Based on the score and internal cut-off values, a variant classified as likely benign is not then subjected to further curation. The score for this variant resulted in a classification of likely benign for this disease.

NM_001033855.3(DCLRE1C):c.537+14G>A

Gene: DCLRE1C (DNA cross-link repair 1C; minus strand). Cytogenetic location: 10p13.
Variant type: single nucleotide variant.
Coding change: c.537+14G>A on transcript NM_001033855.3 (MANE Select); 14 bases into the intron after coding-DNA position 537, G replaced by A.
Molecular consequence: intron variant.
Genome position (GRCh38, 1-based): chr10:14,934,689, C>T on the plus strand (G>A on the coding strand, the complement: DCLRE1C is on the minus strand). VCF-style: chr10-14934689-C-T. GRCh37 (hg19) VCF-style: chr10-14976688-C-T.
Other names: c.192+14G>A (NM_001289078.2, NM_001289076.2, NM_022487.4 and 1 more transcripts); c.177+14G>A (NM_001289077.2, NM_001289079.2, NM_001033857.3 and 2 more transcripts); c.537+14G>A (NM_001350965.2).
Identifiers: ClinVar variation 811610 (VCV000811610.21), dbSNP rs546891508, ClinGen allele CA5416807.
Genomic context (GRCh38, chr10:14,934,689, plus strand): 5'-TGTCACCCTACAAACTTCCTACTAAAAACACGGGCACACCCAGATGATAACCCTGTTCCT[C>T]CAGGCAGACTTACCCGACTTGGAATTTGGTAAAATCTTGGATCACAGAACGTAGTATCCA-3'